The following is an entry in ClinVar:

NM_018474.6(KIZ):c.1090dup (p.Met364fs)

Gene: KIZ (kizuna centrosomal protein; plus strand). Cytogenetic location: 20p11.23.
Variant type: Duplication.
Coding change: c.1090dup on transcript NM_018474.6 (MANE Select); coding-DNA position 1090, one base duplicated (A; older notation c.1090dupA).
Protein change: p.Met364fs; shifts the reading frame from methionine 364.
Molecular consequence: frameshift variant.
Genome position (GRCh38, 1-based): chr20:21,162,897, A duplicated; the last of 5 consecutive A bases (chr20:21,162,893-21,162,897); duplicating any one gives the same sequence. VCF-style (leftmost placement, unchanged base first): chr20-21162892-G-GA. GRCh37 (hg19) VCF-style: chr20-21143533-G-GA.
Other names: c.781dup, p.Met261fs (NM_001163022.3, NM_001352435.2); c.691dup, p.Met231fs (NM_001163023.3); c.943dup, p.Met315fs (NM_001276389.2); c.1090dup, p.Met364fs (NM_001352434.2); c.748dup, p.Met250fs (NM_001352436.2); short protein forms M261fs, M364fs, M231fs, M250fs, M315fs.
Identifiers: ClinVar variation 1974733 (VCV001974733.5), dbSNP rs1439979978, ClinGen allele CA2580098040.
Genomic context (GRCh38, chr20:21,162,892, plus strand): 5'-TCATGTCGCCACTTGCAGATCATCTTGCTCACAGGGAACCAAAGTCACAAAAGCCCTTCA[G>GA]AAAAATGCAGGAAGAGGAGGAGGAAAGTTGGAGCACCAGCAGTGACCTTACCATTTCAAT-3'

ClinVar aggregate classification (germline): Pathogenic (1 of 4 stars; one submission).

Submission:

Labcorp Genetics (formerly Invitae), Labcorp
Classification: Pathogenic. Last evaluated: 2025-07-29. Review status: criteria provided, single submitter. Criteria: Invitae Variant Classification Sherloc (09022015). Collection method: clinical testing. Allele origin: germline.
Comment: This sequence change creates a premature translational stop signal (p.Met364Asnfs*14) in the KIZ gene. It is expected to result in an absent or disrupted protein product. Loss-of-function variants in KIZ are known to be pathogenic (PMID: 24680887, 29057815). This variant is not present in population databases (gnomAD no frequency). This variant has not been reported in the literature in individuals affected with KIZ-related conditions. ClinVar contains an entry for this variant (Variation ID: 1974733). For these reasons, this variant has been classified as Pathogenic.

Literature cited by the submitters: PubMed 24680887; PubMed 29057815.